The following is an entry in ClinVar:

NM_015450.3(POT1):c.253A>G (p.Lys85Glu)

Gene: POT1 (protection of telomeres 1; minus strand). Cytogenetic location: 7q31.33.
Variant type: single nucleotide variant.
Coding change: c.253A>G on transcript NM_015450.3 (MANE Select); coding-DNA position 253, A replaced by G.
Protein change: p.Lys85Glu; replaces lysine 85 with glutamic acid.
Molecular consequence: missense variant. On other transcripts: non-coding transcript variant (3), intron variant (1).
Genome position (GRCh38, 1-based): chr7:124,870,913, T>C on the plus strand (A>G on the coding strand, the complement: POT1 is on the minus strand). VCF-style: chr7-124870913-T-C. GRCh37 (hg19) VCF-style: chr7-124510967-T-C.
Other names: c.-138-7273A>G (NM_001042594.2); short protein forms K85E.
Identifiers: ClinVar variation 2565265 (VCV002565265.4), dbSNP rs2485504592, ClinGen allele CA369061255.

ClinVar aggregate classification (germline): Uncertain significance. Review status: criteria provided, single submitter (1 of 4 stars). 2 submissions from 2 submitters: Uncertain significance (1). 1 of the submissions does not count toward it. Last evaluated 2025-11-21.

Conditions:
Hereditary cancer-predisposing syndrome. Also called: Neoplastic Syndromes, Hereditary; Hereditary Cancer Syndrome; Hereditary neoplastic syndrome; Tumor predisposition. Identifiers: Orphanet 140162, MedGen C0027672, MeSH D009386, MONDO:0015356.
Long telomere syndrome.

Allele frequency attached by ClinVar (database versions not stated): gnomAD exomes below 0.00001.
gnomAD v4.1: 2 of 1,605,368 alleles (0.00012%); highest among the groups gnomAD compares: Non-Finnish European, 0.00017%; no homozygotes.

Submissions (2):

Ambry Genetics
Classification: Uncertain significance for Hereditary cancer-predisposing syndrome. Last evaluated: 2025-11-21. Review status: criteria provided, single submitter. Criteria: Ambry Variant Classification Scheme 2023. Collection method: clinical testing. Allele origin: germline.
Comment: The p.K85E variant (also known as c.253A>G), located in coding exon 3 of the POT1 gene, results from an A to G substitution at nucleotide position 253. The lysine at codon 85 is replaced by glutamic acid, an amino acid with similar properties. This amino acid position is conserved. In addition, the in silico prediction for this alteration is inconclusive. Based on the available evidence, the clinical significance of this variant remains unclear.

The Telomere Center at Johns Hopkins, Johns Hopkins University School of Medicine
Classification: Likely pathogenic for Long telomere syndrome. Last evaluated: 2023-04-01. Review status: no assertion criteria provided. Collection method: research. Allele origin: germline. Affected: yes. Not counted in ClinVar's aggregate classification.

Literature cited by the submitters: PubMed 38688277 (cited by The Telomere Center at Johns Hopkins, Johns Hopkins University School of Medicine).